The following is an entry in ClinVar:

ClinVar aggregate classification (germline): Pathogenic/Likely pathogenic. Review status: criteria provided, multiple submitters, no conflicts (2 of 4 stars). 5 submissions from 5 submitters: Pathogenic (3); Likely pathogenic (2). Last evaluated 2025-05-01.

Conditions:
OTOG-related disorder. Also called: OTOG-related condition.
Autosomal recessive nonsyndromic hearing loss 18B. Also called: Deafness, autosomal recessive 18b. Identifiers: Orphanet 90636, MedGen C3554163, MONDO:0013985, OMIM 614945.

Allele frequency attached by ClinVar (database versions not stated): gnomAD 0.00001; gnomAD exomes 0.00001 and 0.00002; TOPMed 0.00002.

Submissions (5):

GeneDx
Classification: Pathogenic. Last evaluated: 2025-05-01. Review status: criteria provided, single submitter. Criteria: GeneDx Variant Classification Process June 2021. Collection method: clinical testing. Allele origin: germline. Affected: yes.
Comment: Frameshift variant predicted to result in protein truncation or nonsense mediated decay in a gene for which loss of function is a known mechanism of disease; Has not been previously published as pathogenic or benign to our knowledge

Labcorp Genetics (formerly Invitae), Labcorp
Classification: Pathogenic. Last evaluated: 2024-12-19. Review status: criteria provided, single submitter. Criteria: Invitae Variant Classification Sherloc (09022015). Collection method: clinical testing. Allele origin: germline.
Comment: This sequence change creates a premature translational stop signal (p.Asp2253Metfs*10) in the OTOG gene. It is expected to result in an absent or disrupted protein product. Loss-of-function variants in OTOG are known to be pathogenic (PMID: 23122587). This variant is present in population databases (no rsID available, gnomAD 0.01%). This variant has not been reported in the literature in individuals affected with OTOG-related conditions. ClinVar contains an entry for this variant (Variation ID: 1323398). For these reasons, this variant has been classified as Pathogenic.

Dasa
Classification: Likely pathogenic. Last evaluated: 2024-11-26. Review status: criteria provided, single submitter. Criteria: DASA Assertion Criteria. Collection method: clinical testing. Allele origin: germline.
Comment: NM_001292063.2(OTOG):c.6721del (p.Asp2241Metfs*10) is a frameshift variant in OTOG predicted to alter the reading frame and introduce a premature termination codon and is predicted to result in an absent or altered protein product. Loss of function is an established disease mechanism for OTOG-associated disorders. Also, this variant is rare in population databases. Based on the currently available evidence, this variant is classified as likely pathogenic.

Blueprint Genetics
Classification: Likely pathogenic for OTOG-related disorders. Last evaluated: 2022-08-18. Review status: criteria provided, single submitter. Criteria: ACMG Guidelines, 2015. Collection method: clinical testing. Allele origin: germline. Affected: yes. Observed: 2 variant alleles.

Revvity Omics, Revvity
Classification: Pathogenic for Autosomal recessive nonsyndromic hearing loss 18B. Last evaluated: 2020-02-07. Review status: criteria provided, single submitter. Criteria: ACMG Guidelines, 2015. Collection method: clinical testing. Allele origin: germline.

Literature cited by the submitters: PubMed 23122587 (cited by Labcorp Genetics (formerly Invitae), Labcorp).

NM_001292063.2(OTOG):c.6721del (p.Asp2241fs)

Gene: OTOG (otogelin; plus strand). Cytogenetic location: 11p15.1.
Variant type: Deletion.
Coding change: c.6721del on transcript NM_001292063.2 (MANE Select); coding-DNA position 6721, one base deleted (G; older notation c.6721delG).
Protein change: p.Asp2241fs; shifts the reading frame from aspartic acid 2241.
Molecular consequence: frameshift variant.
Genome position (GRCh38, 1-based): chr11:17,631,710, G deleted. VCF-style (leftmost placement, unchanged base first): chr11-17631709-TG-T. GRCh37 (hg19) VCF-style: chr11-17653256-TG-T.
Other names: c.6757del, p.Asp2253fs (NM_001277269.2); short protein forms D2241fs, D2253fs.
Identifiers: ClinVar variation 1323398 (VCV001323398.12), dbSNP rs1478013002, ClinGen allele CA597905051.
Genomic context (GRCh38, chr11:17,631,709, plus strand): 5'-CATGGGAGTGGTAGTGATGATCGTGGCTGTTGGGATTGTTTGGCCCCTTTCAGGTATCTG[TG>T]ATGGAGATGCAGCCAATGACCTTACCCTGAAGGATGGCTCAGTGGTGGGTGGGGCTGAGG-3'